The following is an entry in ClinVar:

NM_016169.4(SUFU):c.1388G>A (p.Ser463Asn)

Gene: SUFU (SUFU negative regulator of hedgehog signaling; plus strand). Cytogenetic location: 10q24.32.
Variant type: single nucleotide variant.
Coding change: c.1388G>A on transcript NM_016169.4 (MANE Select); coding-DNA position 1388, G replaced by A.
Protein change: p.Ser463Asn; replaces serine 463 with asparagine.
Molecular consequence: missense variant.
Genome position (GRCh38, 1-based): chr10:102,630,088, G>A. VCF-style: chr10-102630088-G-A. GRCh37 (hg19) VCF-style: chr10-104389845-G-A.
Other names: c.1388G>A (NM_016169.3); short protein forms S463N.
Identifiers: ClinVar variation 1041016 (VCV001041016.10), dbSNP rs147404195, ClinGen allele CA5668002.

ClinVar aggregate classification (germline): Conflicting classifications of pathogenicity. Review status: criteria provided, conflicting classifications (1 of 4 stars). 2 submissions from 2 submitters: Uncertain significance (1); Likely benign (1). Last evaluated 2024-11-05.

Conditions:
Medulloblastoma (MDB). Also called: MEDULLOBLASTOMA PREDISPOSITION SYNDROME; Medulloblastoma, somatic. Identifiers: Orphanet 616, MedGen C0025149, MeSH D008527, MONDO:0007959, OMIM 155255, HP:0002885.
Gorlin syndrome. Also called: Nevoid Basal Cell Carcinoma Syndrome; Basal cell nevus syndrome. Identifiers: Orphanet 377, MedGen C0004779, MONDO:0007187.
Hereditary cancer-predisposing syndrome. Also called: Hereditary neoplastic syndrome; Neoplastic Syndromes, Hereditary; Tumor predisposition; Hereditary Cancer Syndrome. Identifiers: Orphanet 140162, MedGen C0027672, MeSH D009386, MONDO:0015356.

Allele frequency attached by ClinVar (database versions not stated): gnomAD exomes below 0.00001 and 0.00001; TOPMed below 0.00001; ExAC 0.00001; gnomAD 0.00001; ESP Exome Variant Server 0.00008.
gnomAD v4.1: 2 of 1,614,064 alleles (0.00012%); highest among the groups gnomAD compares: African/African-American, 0.0027%; no homozygotes.

Submissions (2):

Ambry Genetics
Classification: Likely benign for Hereditary cancer-predisposing syndrome. Last evaluated: 2024-11-05. Review status: criteria provided, single submitter. Criteria: Ambry Variant Classification Scheme 2023. Collection method: clinical testing. Allele origin: germline.

Labcorp Genetics (formerly Invitae), Labcorp
Classification: Uncertain significance for Gorlin syndrome; Medulloblastoma. Last evaluated: 2023-12-16. Review status: criteria provided, single submitter. Criteria: Invitae Variant Classification Sherloc (09022015). Collection method: clinical testing. Allele origin: germline.
Comment: This sequence change replaces serine, which is neutral and polar, with asparagine, which is neutral and polar, at codon 463 of the SUFU protein (p.Ser463Asn). This variant is present in population databases (rs147404195, gnomAD 0.007%). This variant has not been reported in the literature in individuals affected with SUFU-related conditions. ClinVar contains an entry for this variant (Variation ID: 1041016). Advanced modeling of protein sequence and biophysical properties (such as structural, functional, and spatial information, amino acid conservation, physicochemical variation, residue mobility, and thermodynamic stability) performed at Invitae indicates that this missense variant is not expected to disrupt SUFU protein function with a negative predictive value of 80%. In summary, the available evidence is currently insufficient to determine the role of this variant in disease. Therefore, it has been classified as a Variant of Uncertain Significance.